The following is an entry in ClinVar:

NM_001005498.4(RHBDF2):c.361C>T (p.Arg121Cys)

Gene: RHBDF2 (rhomboid 5 homolog 2; minus strand). Cytogenetic location: 17q25.1.
Variant type: single nucleotide variant.
Coding change: c.361C>T on transcript NM_001005498.4 (MANE Select); coding-DNA position 361, C replaced by T.
Protein change: p.Arg121Cys; replaces arginine 121 with cysteine.
Molecular consequence: missense variant. On other transcripts: non-coding transcript variant (3).
Genome position (GRCh38, 1-based): chr17:76,479,189, G>A on the plus strand (C>T on the coding strand, the complement: RHBDF2 is on the minus strand). VCF-style: chr17-76479189-G-A. GRCh37 (hg19) VCF-style: chr17-74475271-G-A.
Other names: c.361C>T, p.Arg121Cys (NM_001376228.1, NM_001376229.1, NM_001376230.1); c.448C>T, p.Arg150Cys (NM_024599.5); short protein forms R150C, R121C.
Identifiers: ClinVar variation 325459 (VCV000325459.18), dbSNP rs187556554, ClinGen allele CA8787364.

ClinVar aggregate classification (germline): Conflicting classifications of pathogenicity. Review status: criteria provided, conflicting classifications (1 of 4 stars). 5 submissions from 5 submitters: Uncertain significance (2); Benign (1); Likely benign (2). Last evaluated 2026-02-03.

Conditions:
Palmoplantar keratoderma-esophageal carcinoma syndrome (TOC). Also called: PALMOPLANTAR KERATODERMA WITH ESOPHAGEAL CANCER; KERATOSIS PALMARIS ET PLANTARIS WITH ESOPHAGEAL CANCER; Tylosis with Esophageal Cancer. Identifiers: Orphanet 2198, MedGen C1835664, MONDO:0007856, OMIM 148500.

Allele frequency attached by ClinVar (database versions not stated): gnomAD 0.00011 and 0.00014; TOPMed 0.00011; ESP Exome Variant Server 0.00015; gnomAD exomes 0.00023 and 0.00034; ExAC 0.00043; 1000 Genomes Project 30x 0.00062; 1000 Genomes Project 0.00080.
gnomAD v4.1: 349 of 1,611,938 alleles (0.022%); highest among the groups gnomAD compares: East Asian, 0.45%; 1 homozygote.

Submissions (5):

Labcorp Genetics (formerly Invitae), Labcorp
Classification: Likely benign. Last evaluated: 2026-02-03. Review status: criteria provided, single submitter. Criteria: Invitae Variant Classification Sherloc (09022015). Collection method: clinical testing. Allele origin: germline.

Blueprint Genetics
Classification: Likely benign. Last evaluated: 2024-10-17. Review status: criteria provided, single submitter. Criteria: ACMG Guidelines, 2015. Collection method: clinical testing. Allele origin: germline.

Fulgent Genetics
Classification: Uncertain significance for Palmoplantar keratoderma-esophageal carcinoma syndrome. Last evaluated: 2024-05-14. Review status: criteria provided, single submitter. Criteria: ACMG Guidelines, 2015. Collection method: clinical testing. Allele origin: germline.

Institute for Clinical Genetics, University Hospital TU Dresden, University Hospital TU Dresden
Classification: Uncertain significance. Last evaluated: 2021-11-03. Review status: criteria provided, single submitter. Criteria: ACMG Guidelines, 2015. Collection method: clinical testing. Allele origin: germline.

Illumina Laboratory Services, Illumina
Classification: Benign for Palmoplantar keratoderma-esophageal carcinoma syndrome. Last evaluated: 2018-01-13. Review status: criteria provided, single submitter. Criteria: ICSL Variant Classification Criteria 13 December 2019. Collection method: clinical testing. Allele origin: germline.
Comment: This variant was observed in the ICSL laboratory as part of a predisposition screen in an ostensibly healthy population. It had not been previously curated by ICSL or reported in the Human Gene Mutation Database (HGMD: prior to June 1st, 2018), and was therefore a candidate for classification through an automated scoring system. Utilizing variant allele frequency, disease prevalence and penetrance estimates, and inheritance mode, an automated score was calculated to assess if this variant is too frequent to cause the disease. Based on the score and internal cut-off values, a variant classified as benign is not then subjected to further curation. The score for this variant resulted in a classification of benign for this disease.